The following is an entry in ClinVar:

NM_206933.4(USH2A):c.4804T>C (p.Tyr1602His)

Gene: USH2A (usherin; minus strand). Cytogenetic location: 1q41.
Variant type: single nucleotide variant.
Coding change: c.4804T>C on transcript NM_206933.4 (MANE Select); coding-DNA position 4804, T replaced by C.
Protein change: p.Tyr1602His; replaces tyrosine 1602 with histidine.
Molecular consequence: missense variant.
Genome position (GRCh38, 1-based): chr1:216,089,094, A>G on the plus strand (T>C on the coding strand, the complement: USH2A is on the minus strand). VCF-style: chr1-216089094-A-G. GRCh37 (hg19) VCF-style: chr1-216262436-A-G.
Other names: short protein forms Y1602H.
Identifiers: ClinVar variation 1959039 (VCV001959039.3), dbSNP rs1415151960, ClinGen allele CA344860771.

ClinVar aggregate classification (germline): Uncertain significance. Review status: criteria provided, multiple submitters, no conflicts (2 of 4 stars). 2 submissions from 2 submitters: Uncertain significance (2). Last evaluated 2022-05-29.

Allele frequency attached by ClinVar (database versions not stated): gnomAD exomes below 0.00001; TOPMed 0.00001.
gnomAD v4.1: 7 of 1,613,418 alleles (0.00043%); highest among the groups gnomAD compares: Non-Finnish European, 0.00042%; no homozygotes.

Submissions (2):

Labcorp Genetics (formerly Invitae), Labcorp
Classification: Uncertain significance. Last evaluated: 2022-05-29. Review status: criteria provided, single submitter. Criteria: Invitae Variant Classification Sherloc (09022015). Collection method: clinical testing. Allele origin: germline.
Comment: This sequence change replaces tyrosine, which is neutral and polar, with histidine, which is basic and polar, at codon 1602 of the USH2A protein (p.Tyr1602His). This variant is present in population databases (no rsID available, gnomAD no frequency). This variant has not been reported in the literature in individuals affected with USH2A-related conditions. Algorithms developed to predict the effect of missense changes on protein structure and function (SIFT, PolyPhen-2, Align-GVGD) all suggest that this variant is likely to be disruptive. In summary, the available evidence is currently insufficient to determine the role of this variant in disease. Therefore, it has been classified as a Variant of Uncertain Significance.

Blueprint Genetics
Classification: Uncertain significance. Last evaluated: 2019-06-28. Review status: criteria provided, single submitter. Criteria: ACMG Guidelines, 2015. Collection method: clinical testing. Allele origin: germline.